The following is an entry in ClinVar:

ClinVar aggregate classification (germline): Conflicting classifications of pathogenicity. Review status: criteria provided, conflicting classifications (1 of 4 stars). 2 submissions from 2 submitters: Uncertain significance (1); Likely benign (1). Last evaluated 2025-01-06.

Conditions:
Inborn genetic diseases. Identifiers: MedGen C0950123, MeSH D030342.

gnomAD v4.1: 67 of 1,613,120 alleles (0.0042%); highest among the groups gnomAD compares: South Asian, 0.033%; 1 homozygote.

Submissions (2):

GeneDx
Classification: Uncertain significance. Last evaluated: 2025-01-06. Review status: criteria provided, single submitter. Criteria: GeneDx Variant Classification Process June 2021. Collection method: clinical testing. Allele origin: germline. Affected: yes.
Comment: In silico analysis indicates that this missense variant does not alter protein structure/function; Has not been previously published as pathogenic or benign to our knowledge

Ambry Genetics
Classification: Likely benign for Inborn genetic diseases. Last evaluated: 2024-08-21. Review status: criteria provided, single submitter. Criteria: Ambry Variant Classification Scheme 2023. Collection method: clinical testing. Allele origin: germline.

NM_001375405.1(CEP120):c.1873G>A (p.Val625Ile)

Gene: CEP120 (centrosomal protein 120; minus strand). Cytogenetic location: 5q23.2.
Variant type: single nucleotide variant.
Coding change: c.1873G>A on transcript NM_001375405.1 (MANE Select); coding-DNA position 1873, G replaced by A.
Protein change: p.Val625Ile; replaces valine 625 with isoleucine.
Molecular consequence: missense variant. On other transcripts: non-coding transcript variant (1).
Genome position (GRCh38, 1-based): chr5:123,382,877, C>T on the plus strand (G>A on the coding strand, the complement: CEP120 is on the minus strand). VCF-style: chr5-123382877-C-T. GRCh37 (hg19) VCF-style: chr5-122718571-C-T.
Other names: c.1795G>A, p.Val599Ile (NM_001166226.2); c.1738G>A, p.Val580Ile (NM_001375406.1); c.1873G>A, p.Val625Ile (NM_001375407.1, NM_153223.4); c.1300G>A, p.Val434Ile (NM_001375408.1, NM_001375409.1); short protein forms V599I, V625I, V434I, V580I.
Identifiers: ClinVar variation 3490464 (VCV003490464.2).